The following is an entry in ClinVar:

ClinVar aggregate classification (germline): Uncertain significance. Review status: criteria provided, multiple submitters, no conflicts (2 of 4 stars). 4 submissions from 4 submitters: Uncertain significance (4). Last evaluated 2023-06-09.

Conditions:
Intellectual disability, autosomal dominant 16 (CSS4). Also called: COFFIN-SIRIS SYNDROME 4. Identifiers: Orphanet 1465, MedGen C3553249, MONDO:0013821, OMIM 614609.
Rhabdoid tumor predisposition syndrome 2 (RTPS2). Identifiers: Orphanet 231108, Orphanet 69077, MedGen C2750074, MONDO:0013224, OMIM 613325.
Hereditary cancer-predisposing syndrome. Also called: Neoplastic Syndromes, Hereditary; Tumor predisposition; Hereditary neoplastic syndrome; Hereditary Cancer Syndrome. Identifiers: Orphanet 140162, MedGen C0027672, MeSH D009386, MONDO:0015356.

Allele frequency attached by ClinVar (database versions not stated): gnomAD exomes below 0.00001.
gnomAD v4.1: 2 of 1,613,956 alleles (0.00012%); highest among the groups gnomAD compares: Non-Finnish European, 0.00017%; no homozygotes.

Submissions (4):

Labcorp Genetics (formerly Invitae), Labcorp
Classification: Uncertain significance for Rhabdoid tumor predisposition syndrome 2. Last evaluated: 2023-06-09. Review status: criteria provided, single submitter. Criteria: Invitae Variant Classification Sherloc (09022015). Collection method: clinical testing. Allele origin: germline.
Comment: In summary, the available evidence is currently insufficient to determine the role of this variant in disease. Therefore, it has been classified as a Variant of Uncertain Significance. This variant has not been reported in the literature in individuals affected with SMARCA4-related conditions. This sequence change replaces serine, which is neutral and polar, with glycine, which is neutral and non-polar, at codon 111 of the SMARCA4 protein (p.Ser111Gly). This variant is not present in population databases (gnomAD no frequency). ClinVar contains an entry for this variant (Variation ID: 823575). Advanced modeling of protein sequence and biophysical properties (such as structural, functional, and spatial information, amino acid conservation, physicochemical variation, residue mobility, and thermodynamic stability) has been performed at Invitae for this missense variant, however the output from this modeling did not meet the statistical confidence thresholds required to predict the impact of this variant on SMARCA4 protein function.

Ambry Genetics
Classification: Uncertain significance for Hereditary cancer-predisposing syndrome. Last evaluated: 2023-05-31. Review status: criteria provided, single submitter. Criteria: Ambry Variant Classification Scheme 2023. Collection method: clinical testing. Allele origin: germline.
Comment: The p.S111G variant (also known as c.331A>G), located in coding exon 2 of the SMARCA4 gene, results from an A to G substitution at nucleotide position 331. The serine at codon 111 is replaced by glycine, an amino acid with similar properties. This amino acid position is highly conserved in available vertebrate species. In addition, the in silico prediction for this alteration is inconclusive. Missense and in-frame variants in SMARCA4 are known to cause neurodevelopmental disorders; however, such associations with rhabdoid tumor predisposition syndrome including small cell carcinoma of the ovary-hypercalcemic type (SCCOHT) are exceedingly rare (Kosho T et al. Am J Med Genet C Semin Med Genet. 2014 Sep;166C(3):262-75; Jelinic P et al. Nat Genet. 2014 May;46(5):424-6). Based on the supporting evidence, the association of this alteration with Coffin-Siris syndrome is unknown; however, the association of this alteration with rhabdoid tumor predisposition syndrome is unlikely.

Sema4
Classification: Uncertain significance for Hereditary cancer-predisposing syndrome. Last evaluated: 2022-02-15. Review status: criteria provided, single submitter. Criteria: Sema4 Curation Guidelines. Collection method: curation. Allele origin: germline.
Comment: The SMARCA4 c.331A>G (p.S111G) variant has not been reported in the literature to our knowledge. This variant is not reported in the population database Genome Aggregation Database (PMID: 32461654) but has been reported in ClinVar (Variation ID: 823575). Functional studies have not been performed, and in silico predictions of the variant's effect on protein function are inconclusive. The evidence is insufficient to meet ACMG/AMP criteria for classifying the variant as benign or pathogenic. Thus, the clinical significance of this variant is currently uncertain.

Genome-Nilou Lab
Classification: Uncertain significance for Intellectual disability, autosomal dominant 16. Last evaluated: 2021-07-15. Review status: criteria provided, single submitter. Criteria: ACMG Guidelines, 2015. Collection method: clinical testing. Allele origin: germline. Affected: no.

NM_003072.5(SMARCA4):c.331A>G (p.Ser111Gly)

Gene: SMARCA4 (SWI/SNF related BAF chromatin remodeling complex subunit ATPase 4; plus strand). Cytogenetic location: 19p13.2.
Variant type: single nucleotide variant.
Coding change: c.331A>G on transcript NM_003072.5 (MANE Select); coding-DNA position 331, A replaced by G.
Protein change: p.Ser111Gly; replaces serine 111 with glycine.
Molecular consequence: missense variant. On other transcripts: non-coding transcript variant (1).
Genome position (GRCh38, 1-based): chr19:10,985,381, A>G. VCF-style: chr19-10985381-A-G. GRCh37 (hg19) VCF-style: chr19-11096057-A-G.
Other names: c.331A>G, p.Ser111Gly (NM_001128844.3, NM_001128845.2, NM_001128846.2 and 4 more transcripts); short protein forms S111G.
Identifiers: ClinVar variation 823575 (VCV000823575.17), dbSNP rs1599941986, ClinGen allele CA404055312.